The following is an entry in ClinVar:

ClinVar aggregate classification (germline): Uncertain significance (1 of 4 stars; one submission).

Conditions:
RASopathy. Also called: Noonan spectrum disorder; rasopathies. Identifiers: Orphanet 536391, MedGen C5555857, MONDO:0021060.

Submission:

Labcorp Genetics (formerly Invitae), Labcorp
Classification: Uncertain significance for RASopathy. Last evaluated: 2025-10-13. Review status: criteria provided, single submitter. Criteria: Invitae Variant Classification Sherloc (09022015). Collection method: clinical testing. Allele origin: germline.
Comment: This sequence change replaces arginine, which is basic and polar, with histidine, which is basic and polar, at codon 398 of the RAF1 protein (p.Arg398His). This variant also falls at the last nucleotide of exon 11, which is part of the consensus splice site for this exon. This variant is not present in population databases (gnomAD no frequency). This variant has not been reported in the literature in individuals affected with RAF1-related conditions. ClinVar contains an entry for this variant (Variation ID: 1034621). Invitae Evidence Modeling incorporating data from in vitro experimental studies (internal data) indicates that this missense variant is not expected to disrupt RAF1 function with a negative predictive value of 95%. Variants that disrupt the consensus splice site are a relatively common cause of aberrant splicing (PMID: 17576681, 9536098). In summary, the available evidence is currently insufficient to determine the role of this variant in disease. Therefore, it has been classified as a Variant of Uncertain Significance.

Literature cited by the submitters: PubMed 17576681; PubMed 9536098.

NM_002880.4(RAF1):c.1193G>A (p.Arg398His)

Gene: RAF1 (Raf-1 proto-oncogene, serine/threonine kinase; minus strand). Cytogenetic location: 3p25.2.
Variant type: single nucleotide variant.
Coding change: c.1193G>A on transcript NM_002880.4 (MANE Select); coding-DNA position 1193, G replaced by A.
Protein change: p.Arg398His; replaces arginine 398 with histidine.
Molecular consequence: missense variant. On other transcripts: non-coding transcript variant (3).
Genome position (GRCh38, 1-based): chr3:12,591,708, C>T on the plus strand (G>A on the coding strand, the complement: RAF1 is on the minus strand). VCF-style: chr3-12591708-C-T. GRCh37 (hg19) VCF-style: chr3-12633207-C-T.
Other names: c.1253G>A, p.Arg418His (NM_001354689.3); c.1193G>A, p.Arg398His (NM_001354690.3); c.950G>A, p.Arg317His (NM_001354691.3, NM_001354692.3); c.1094G>A, p.Arg365His (NM_001354693.3); c.1010G>A, p.Arg337His (NM_001354694.3); c.851G>A, p.Arg284His (NM_001354695.3); short protein forms R284H, R317H, R398H, R418H, R337H, R365H.
Identifiers: ClinVar variation 1034621 (VCV001034621.8), dbSNP rs730880382, ClinGen allele CA351503367.